The following is an entry in ClinVar:

NM_003239.5(TGFB3):c.43C>A (p.Leu15Met)

Gene: TGFB3 (transforming growth factor beta 3; minus strand). Cytogenetic location: 14q24.3.
Variant type: single nucleotide variant.
Coding change: c.43C>A on transcript NM_003239.5 (MANE Select); coding-DNA position 43, C replaced by A.
Protein change: p.Leu15Met; replaces leucine 15 with methionine.
Molecular consequence: missense variant.
Genome position (GRCh38, 1-based): chr14:75,980,851, G>T on the plus strand (C>A on the coding strand, the complement: TGFB3 is on the minus strand). VCF-style: chr14-75980851-G-T. GRCh37 (hg19) VCF-style: chr14-76447194-G-T.
Other names: p.Leu15Met; c.43C>A, p.Leu15Met (NM_001329938.2, NM_001329939.2); short protein forms L15M.
Identifiers: ClinVar variation 2683270 (VCV002683270.4), dbSNP rs1319893975, ClinGen allele CA390471850.
Genomic context (GRCh38, chr14:75,980,851, plus strand): 5'-TGTGGCCGAAGTCCAAGGTGGTGCAAGTGGACAGAGAGAGGCTGACCGTGGCAAAGTTCA[G>T]CAGGGCCAGGACCACCAGAGCCCTTTGCAAGTGCATCTTCATGTGTGAGCTGGGAAGAGA-3'
Protein context (NP_003230.1, residues 5-25): LQRALVVLAL[Leu15Met]NFATVSLSLS

ClinVar aggregate classification (germline): Uncertain significance. Review status: criteria provided, multiple submitters, no conflicts (2 of 4 stars). 2 submissions from 2 submitters: Uncertain significance (2). Last evaluated 2025-07-24.

Conditions:
Rienhoff syndrome. Also called: LOEYS-DIETZ SYNDROME 5. Identifiers: MedGen C3810012, MONDO:0014262, OMIM 615582.

Submissions (2):

Labcorp Genetics (formerly Invitae), Labcorp
Classification: Uncertain significance for Rienhoff syndrome. Last evaluated: 2025-07-24. Review status: criteria provided, single submitter. Criteria: Invitae Variant Classification Sherloc (09022015). Collection method: clinical testing. Allele origin: germline.
Comment: This sequence change replaces leucine, which is neutral and non-polar, with methionine, which is neutral and non-polar, at codon 15 of the TGFB3 protein (p.Leu15Met). This variant is not present in population databases (gnomAD no frequency). This variant has not been reported in the literature in individuals affected with TGFB3-related conditions. ClinVar contains an entry for this variant (Variation ID: 2683270). An algorithm developed to predict the effect of missense changes on protein structure and function (PolyPhen-2) suggests that this variant is likely to be disruptive. In summary, the available evidence is currently insufficient to determine the role of this variant in disease. Therefore, it has been classified as a Variant of Uncertain Significance.

Mayo Clinic Laboratories, Mayo Clinic
Classification: Uncertain significance. Last evaluated: 2022-11-02. Review status: criteria provided, single submitter. Criteria: ACMG Guidelines, 2015. Collection method: clinical testing. Allele origin: germline. Observed: 1 variant allele.
Comment: PM2_supporting